The following is an entry in ClinVar:

ClinVar aggregate classification (germline): Uncertain significance. Review status: criteria provided, multiple submitters, no conflicts (2 of 4 stars). 2 submissions from 2 submitters: Uncertain significance (2). Last evaluated 2022-01-22.

Conditions:
Familial melanoma. Also called: Hereditary melanoma; Hereditary cutaneous melanoma. Identifiers: Orphanet 618, MedGen C1512419, MONDO:0018961.

gnomAD v4.1: 2 of 1,613,992 alleles (0.00012%); highest among the groups gnomAD compares: East Asian, 0.0045%; no homozygotes.

Submissions (2):

Labcorp Genetics (formerly Invitae), Labcorp
Classification: Uncertain significance for Familial melanoma. Last evaluated: 2022-01-22. Review status: criteria provided, single submitter. Criteria: Invitae Variant Classification Sherloc (09022015). Collection method: clinical testing. Allele origin: germline.
Comment: This sequence change replaces arginine, which is basic and polar, with glycine, which is neutral and non-polar, at codon 288 of the CDK4 protein (p.Arg288Gly). This variant is not present in population databases (gnomAD no frequency). This variant has not been reported in the literature in individuals affected with CDK4-related conditions. ClinVar contains an entry for this variant (Variation ID: 127521). Advanced modeling of protein sequence and biophysical properties (such as structural, functional, and spatial information, amino acid conservation, physicochemical variation, residue mobility, and thermodynamic stability) performed at Invitae indicates that this missense variant is not expected to disrupt CDK4 protein function. In summary, the available evidence is currently insufficient to determine the role of this variant in disease. Therefore, it has been classified as a Variant of Uncertain Significance.

GeneDx
Classification: Uncertain significance. Last evaluated: 2014-02-05. Review status: criteria provided, single submitter. Criteria: GeneDx Variant Classification (06012015). Collection method: clinical testing. Allele origin: germline. Affected: yes.
Comment: This variant is denoted CDK4 c.862C>G at the cDNA level, p.Arg288Gly (R288G) at the protein level, and results in the change of an Arginine to a Glycine (CGA>GGA). This variant has not, to our knowledge, been published in the literature as pathogenic or benign. CDK4 Arg288Gly was not observed in approximately 6,500 individuals of European and African American ancestry in the NHLBI Exome Sequencing Project, indicating it is not a common benign variant in these populations. This variant is a non-conservative substitution in which a positive polar amino acid is replaced with a neutral non-polar one, altering a position that is moderately conserved throughout evolution and is located in the Protein kinase domain (UniProt). In silico analyses are inconsistent with regard to the effect this variant may have on protein structure and function. Based on the currently available information, we consider CDK4 Arg288Gly to be a variant of uncertain significance.

NM_000075.4(CDK4):c.862C>G (p.Arg288Gly)

Genes: CDK4 (cyclin dependent kinase 4; minus strand), TSPAN31 (tetraspanin 31; plus strand). Cytogenetic location: 12q14.1.
Variant type: single nucleotide variant.
Coding change: c.862C>G on transcript NM_000075.4 (MANE Select); coding-DNA position 862, C replaced by G.
Protein change: p.Arg288Gly; replaces arginine 288 with glycine.
Molecular consequence: missense variant. On other transcripts: 3 prime UTR variant (3).
Genome position (GRCh38, 1-based): chr12:57,748,575, G>C on the plus strand (C>G on the coding strand, the complement: CDK4 is on the minus strand). VCF-style: chr12-57748575-G-C. GRCh37 (hg19) VCF-style: chr12-58142358-G-C.
Other names: p.R288G:CGA>GGA; c.*1285G>C (NM_001330168.2, NM_001330169.2, NM_005981.5); short protein forms R288G.
Identifiers: ClinVar variation 127521 (VCV000127521.7), dbSNP rs587779897, ClinGen allele CA287157.
Genomic context (GRCh38, chr12:57,748,575, plus strand): 5'-ACTCCATTGCTCACTCCGGATTACCTTCATCCTTATGTAGATAAGAGTGCTGCAGAGCTC[G>C]AAAGGCAGAGATTCGCTTGTGTGGGTTAAAAGTCAGCATTTCCTGAGGGGAGAGGCAAAG-3'
Protein context (NP_000066.1, residues 278-298): FNPHKRISAF[Arg288Gly]ALQHSYLHKD